The following is an entry in ClinVar:

ClinVar aggregate classification (germline): Uncertain significance (1 of 4 stars; one submission).

Submissions (2):

CeGaT Center for Human Genetics Tuebingen
Classification: Uncertain significance. Last evaluated: 2023-09-01. Review status: criteria provided, single submitter. Criteria: CeGaT Center For Human Genetics Tuebingen Variant Classification Criteria Version 2. Collection method: clinical testing. Allele origin: germline. Affected: yes. Observed: 1 variant allele.
Comment: OFD1: PM2

Dr. Peter K. Rogan Lab, Western University
No classification provided (evidence only). Condition: Nonpapillary renal cell carcinoma. Review status: no classification provided. Collection method: in vitro. Allele origin: not applicable. Functional consequence: retained intron. Not counted in ClinVar's aggregate classification.

NM_003611.3(OFD1):c.1056G>T (p.Lys352Asn)

Gene: OFD1 (OFD1 centriole and centriolar satellite protein; plus strand). Cytogenetic location: Xp22.2.
Variant type: single nucleotide variant.
Coding change: c.1056G>T on transcript NM_003611.3 (MANE Select); coding-DNA position 1056, G replaced by T.
Protein change: p.Lys352Asn; replaces lysine 352 with asparagine.
Molecular consequence: missense variant.
Genome position (GRCh38, 1-based): chrX:13,753,368, G>T. VCF-style: chrX-13753368-G-T. GRCh37 (hg19) VCF-style: chrX-13771487-G-T.
Other names: NC_000023.10:g.13771487G>T; c.936G>T, p.Leu312Phe (NM_001330209.2); c.636G>T, p.Lys212Asn (NM_001330210.2); short protein forms K212N, K352N, L312F.
Identifiers: ClinVar variation 2583077 (VCV002583077.26), dbSNP rs770888228, ClinGen allele CA412341647.